The following is an entry in ClinVar:

ClinVar aggregate classification (germline): Pathogenic (1 of 4 stars; one submission).

Submission:

Labcorp Genetics (formerly Invitae), Labcorp
Classification: Pathogenic. Last evaluated: 2024-01-04. Review status: criteria provided, single submitter. Criteria: Invitae Variant Classification Sherloc (09022015). Collection method: clinical testing. Allele origin: germline.
Comment: This sequence change creates a premature translational stop signal (p.Pro204Glnfs*19) in the MTTP gene. It is expected to result in an absent or disrupted protein product. Loss-of-function variants in MTTP are known to be pathogenic (PMID: 8533758, 9671739). This variant is not present in population databases (gnomAD no frequency). This variant has not been reported in the literature in individuals affected with MTTP-related conditions. For these reasons, this variant has been classified as Pathogenic.

Literature cited by the submitters: PubMed 8533758; PubMed 9671739.

NM_001386140.1(MTTP):c.611del (p.Pro204fs)

Gene: MTTP (microsomal triglyceride transfer protein; plus strand). Cytogenetic location: 4q23.
Variant type: Deletion.
Coding change: c.611del on transcript NM_001386140.1 (MANE Select); coding-DNA position 611, one base deleted (C; older notation c.611delC).
Protein change: p.Pro204fs; shifts the reading frame from proline 204.
Molecular consequence: frameshift variant.
Genome position (GRCh38, 1-based): chr4:99,591,344, C deleted; the last of 4 consecutive C bases (chr4:99,591,341-99,591,344); deleting any one gives the same sequence. VCF-style (leftmost placement, unchanged base first): chr4-99591340-AC-A. GRCh37 (hg19) VCF-style: chr4-100512497-AC-A.
Other names: c.611del, p.Pro204fs (NM_000253.4); c.362del, p.Pro121fs (NM_001300785.2); short protein forms P121fs, P204fs.
Identifiers: ClinVar variation 2707287 (VCV002707287.3), dbSNP rs2476106633, ClinGen allele CA2697546809.